The following is an entry in ClinVar:

ClinVar aggregate classification (germline): Uncertain significance (1 of 4 stars; one submission).

Conditions:
Glycogen storage disease type III (GSD3). Also called: Cori disease; FORBES DISEASE. Identifiers: Orphanet 366, MedGen C0017922, MONDO:0009291, OMIM 232400.

Submission:

Labcorp Genetics (formerly Invitae), Labcorp
Classification: Uncertain significance for Glycogen storage disease type III. Last evaluated: 2021-05-03. Review status: criteria provided, single submitter. Criteria: Invitae Variant Classification Sherloc (09022015). Collection method: clinical testing. Allele origin: germline.
Comment: This sequence change replaces tryptophan with tyrosine at codon 208 of the AGL protein (p.Trp208Tyr). The tryptophan residue is moderately conserved and there is a small physicochemical difference between tryptophan and tyrosine. The frequency data for this variant in the population databases is not available, as this variant may be reported as separate entries in the ExAC database. This variant has not been reported in the literature in individuals with AGL-related conditions. Algorithms developed to predict the effect of missense changes on protein structure and function are either unavailable or do not agree on the potential impact of this missense change (SIFT: "Not Available"; PolyPhen-2: "Possibly Damaging"; Align-GVGD: "Not Available"). In summary, the available evidence is currently insufficient to determine the role of this variant in disease. Therefore, it has been classified as a Variant of Uncertain Significance.

NM_000642.3(AGL):c.623_624delinsAT (p.Trp208Tyr)

Gene: AGL (amylo-alpha-1,6-glucosidase and 4-alpha-glucanotransferase; plus strand). Cytogenetic location: 1p21.2.
Variant type: Indel.
Coding change: c.623_624delinsAT on transcript NM_000642.3 (MANE Select); coding-DNA positions 623 to 624, GG replaced by AT.
Protein change: p.Trp208Tyr; replaces tryptophan 208 with tyrosine.
Molecular consequence: missense variant.
Genome position (GRCh38, 1-based): chr1:99,864,548-99,864,549, GG replaced by AT. VCF-style: chr1-99864548-GG-AT. GRCh37 (hg19) VCF-style: chr1-100330104-GG-AT.
Other names: c.623_624delGGinsAT, p.Trp208Tyr (NM_000028.3, NM_000643.3, NM_000644.3 and 3 more transcripts); c.575_576delGGinsAT, p.Trp192Tyr (NM_000646.3); c.245_246delGGinsAT, p.Trp82Tyr (NM_001425332.1); short protein forms W192Y, W208Y, W82Y.
Identifiers: ClinVar variation 1482879 (VCV001482879.6), dbSNP rs2101094202, ClinGen allele CA2573132620.